The following is an entry in ClinVar:

ClinVar aggregate classification (germline): Uncertain significance (1 of 4 stars; one submission).

Conditions:
Developmental and epileptic encephalopathy, 12 (DEE12). Identifiers: MedGen C3150988, MONDO:0013389, OMIM 613722.

Allele frequency attached by ClinVar (database versions not stated): TOPMed below 0.00001; ExAC 0.00001; gnomAD 0.00001; gnomAD exomes 0.00001.
gnomAD v4.1: 4 of 1,603,040 alleles (0.00025%); highest among the groups gnomAD compares: Admixed American, 0.0035%; no homozygotes.

Submission:

Labcorp Genetics (formerly Invitae), Labcorp
Classification: Uncertain significance for Developmental and epileptic encephalopathy, 12. Last evaluated: 2021-07-26. Review status: criteria provided, single submitter. Criteria: Invitae Variant Classification Sherloc (09022015). Collection method: clinical testing. Allele origin: germline.
Comment: This sequence change replaces serine with leucine at codon 349 of the PNKP protein (p.Ser349Leu). The serine residue is weakly conserved and there is a large physicochemical difference between serine and leucine. In summary, the available evidence is currently insufficient to determine the role of this variant in disease. Therefore, it has been classified as a Variant of Uncertain Significance. Algorithms developed to predict the effect of missense changes on protein structure and function (SIFT, PolyPhen-2, Align-GVGD) all suggest that this variant is likely to be tolerated. This variant has not been reported in the literature in individuals affected with PNKP-related conditions. This variant is present in population databases (rs758045226, ExAC 0.02%).

NM_007254.4(PNKP):c.1046C>T (p.Ser349Leu)

Gene: PNKP (polynucleotide kinase 3'-phosphatase; minus strand). Cytogenetic location: 19q13.33.
Variant type: single nucleotide variant.
Coding change: c.1046C>T on transcript NM_007254.4 (MANE Select); coding-DNA position 1046, C replaced by T.
Protein change: p.Ser349Leu; replaces serine 349 with leucine.
Molecular consequence: missense variant.
Genome position (GRCh38, 1-based): chr19:49,862,265, G>A on the plus strand (C>T on the coding strand, the complement: PNKP is on the minus strand). VCF-style: chr19-49862265-G-A. GRCh37 (hg19) VCF-style: chr19-50365522-G-A.
Other names: short protein forms S349L.
Identifiers: ClinVar variation 1370110 (VCV001370110.6), dbSNP rs758045226, ClinGen allele CA9586635.
Genomic context (GRCh38, chr19:49,862,265, plus strand): 5'-ACAACCACCTCCGGGCTGGCGCTCAGGAGGGCCCTGGACTCGGGGAGGCAGAGAGGCCCT[G>A]AGCGGGAGACAGTCCTCTGCGAGGGGCGGGGGACACGCGTGAGATGCCGTCCCCATCCCC-3'
Protein context (NP_009185.2, residues 339-359): PAFDPRTVSR[Ser349Leu]GPLCLPESRA